The following is an entry in ClinVar:

ClinVar aggregate classification (germline): Benign/Likely benign. Review status: criteria provided, multiple submitters, no conflicts (2 of 4 stars). 4 submissions from 4 submitters: Benign (1); Likely benign (2). 1 of the submissions does not count toward it. Last evaluated 2026-01-25.

Conditions:
Neurodegeneration with brain iron accumulation 6 (NBIA6). Also called: COASY protein-associated neurodegeneration. Identifiers: Orphanet 397725, MedGen C4517377, MONDO:0014290, OMIM 615643.
COASY-related disorder. Also called: COASY-related condition.

Allele frequency attached by ClinVar (database versions not stated): gnomAD exomes 0.00004 and 0.00015; ExAC 0.00023; gnomAD 0.00056 and 0.00058; ESP Exome Variant Server 0.00062; TOPMed 0.00070; 1000 Genomes Project 30x 0.00125; 1000 Genomes Project 0.00140.
gnomAD v4.1: 166 of 1,567,270 alleles (0.011%); highest among the groups gnomAD compares: African/African-American, 0.13%; 1 homozygote.

Submissions (4):

Labcorp Genetics (formerly Invitae), Labcorp
Classification: Benign for Neurodegeneration with brain iron accumulation 6. Last evaluated: 2026-01-25. Review status: criteria provided, single submitter. Criteria: Invitae Variant Classification Sherloc (09022015). Collection method: clinical testing. Allele origin: germline.

Mayo Clinic Laboratories, Mayo Clinic
Classification: Likely benign. Last evaluated: 2024-10-11. Review status: criteria provided, single submitter. Criteria: ACMG Guidelines, 2015. Collection method: clinical testing. Allele origin: germline. Observed: 1 variant allele.
Comment: BP4, BP7

GeneDx
Classification: Likely benign. Last evaluated: 2021-04-01. Review status: criteria provided, single submitter. Criteria: GeneDx Variant Classification Process June 2021. Collection method: clinical testing. Allele origin: germline. Affected: yes.

PreventionGenetics, part of Exact Sciences
Classification: Likely benign for COASY-related condition. Last evaluated: 2023-11-29. Review status: no assertion criteria provided. Collection method: clinical testing. Allele origin: germline. Not counted in ClinVar's aggregate classification.
Comment: This variant is classified as likely benign based on ACMG/AMP sequence variant interpretation guidelines (Richards et al. 2015 PMID: 25741868, with internal and published modifications).

NM_025233.7(COASY):c.81C>T (p.Thr27=)

Gene: COASY (Coenzyme A synthase; plus strand). Cytogenetic location: 17q21.2.
Variant type: single nucleotide variant.
Coding change: c.81C>T on transcript NM_025233.7 (MANE Select); coding-DNA position 81, C replaced by T.
Protein change: p.Thr27=; no amino-acid change (threonine 27 retained).
Molecular consequence: synonymous variant.
Genome position (GRCh38, 1-based): chr17:42,562,703, C>T. VCF-style: chr17-42562703-C-T. GRCh37 (hg19) VCF-style: chr17-40714721-C-T.
Other names: p.Thr27=; c.81C>T, p.Thr27= (NM_001042529.3); c.168C>T, p.Thr56= (NM_001042532.4).
Identifiers: ClinVar variation 390090 (VCV000390090.16), dbSNP rs145723983, ClinGen allele CA8577906.